The following is an entry in ClinVar:

NM_000038.6(APC):c.2877_2898del (p.Asn961fs)

Gene: APC (APC regulator of Wnt signaling pathway; plus strand). Cytogenetic location: 5q22.2.
Variant type: Deletion.
Coding change: c.2877_2898del on transcript NM_000038.6 (MANE Select); coding-DNA positions 2877 to 2898, 22 bases deleted (TTCAAATGATAGTTTAAATAGT).
Protein change: p.Asn961fs; shifts the reading frame from asparagine 961.
Molecular consequence: frameshift variant. On other transcripts: non-coding transcript variant (2).
Genome position (GRCh38, 1-based): chr5:112,838,471-112,838,492, TTCAAATGATAGTTTAAATAGT deleted. VCF-style (leftmost placement, unchanged base first): chr5-112838470-CTTCAAATGATAGTTTAAATAGT-C. GRCh37 (hg19) VCF-style: chr5-112174167-CTTCAAATGATAGTTTAAATAGT-C.
Other names: c.2877_2898del, p.Asn961fs (NM_001127510.3, NM_001354895.2, NM_001407450.1); c.2823_2844del, p.Asn943fs (NM_001127511.3); c.2931_2952del, p.Asn979fs (NM_001354896.2, NM_001407447.1, NM_001407448.1 and 1 more transcripts); c.2907_2928del, p.Asn971fs (NM_001354897.2); c.2802_2823del, p.Asn936fs (NM_001354898.2); c.2793_2814del, p.Asn933fs (NM_001354899.2); c.2754_2775del, p.Asn920fs (NM_001354900.2); c.2700_2721del, p.Asn902fs (NM_001354901.2, NM_001407453.1); and 11 more; short protein forms N902fs, N920fs, N943fs, N954fs, N577fs, N933fs, N936fs, N979fs.
Identifiers: ClinVar variation 2452699 (VCV002452699.6), dbSNP rs2533456207, ClinGen allele CA2580072812.

ClinVar aggregate classification (germline): Pathogenic/Likely pathogenic. Review status: criteria provided, multiple submitters, no conflicts (2 of 4 stars). 3 submissions from 3 submitters: Pathogenic (1); Likely pathogenic (2). Last evaluated 2026-05-29.

Conditions:
Hereditary cancer-predisposing syndrome. Also called: Neoplastic Syndromes, Hereditary; Tumor predisposition; Hereditary Cancer Syndrome; Hereditary neoplastic syndrome. Identifiers: Orphanet 140162, MedGen C0027672, MeSH D009386, MONDO:0015356.
Familial adenomatous polyposis 1 (FAP1). Also called: FAMILIAL ADENOMATOUS POLYPOSIS 1, ATTENUATED; POLYPOSIS, ADENOMATOUS INTESTINAL. Identifiers: MedGen C2713442, MONDO:0021056, OMIM 175100. Disease mechanism: loss of function.

Submissions (3):

Diller/Parad Lab, Dana-Farber/Harvard Cancer Center
Classification: Likely pathogenic for Familial adenomatous polyposis 1. Last evaluated: 2026-05-29. Review status: criteria provided, single submitter. Criteria: ACMG Guidelines, 2015. Collection method: research. Allele origin: germline. Affected: yes.
Comment: It has been classified as Likely Pathogenic using Richards et al (PMID:25741868) based on the following evidence codes: PM2, PVS1, PP5.

Labcorp Genetics (formerly Invitae), Labcorp
Classification: Pathogenic for Familial adenomatous polyposis 1. Last evaluated: 2023-03-03. Review status: criteria provided, single submitter. Criteria: Invitae Variant Classification Sherloc (09022015). Collection method: clinical testing. Allele origin: germline.
Comment: This sequence change creates a premature translational stop signal (p.Asn961Valfs*12) in the APC gene. While this is not anticipated to result in nonsense mediated decay, it is expected to disrupt the last 1883 amino acid(s) of the APC protein. This variant is not present in population databases (gnomAD no frequency). This premature translational stop signal has been observed in individual(s) with clinical features of APC-related conditions (PMID: 23159591). This variant is expected to disrupt the EB1 and HDLG binding sites, which mediate interactions with the cytoskeleton (PMID: 15311282, 17293347). While functional studies have not been performed to directly test the effect on APC protein function, this suggests that disruption of the C-terminal portion of the protein is functionally important. A different truncation (p.Tyr2645Lysfs*14) that lies downstream of this variant has been determined to be pathogenic (PMID: 9824584, 1316610, 27081525, 8381579, 22135120, Invitae). This suggests that deletion of this region of the APC protein is causative of disease. For these reasons, this variant has been classified as Pathogenic.

Ambry Genetics
Classification: Likely pathogenic for Hereditary cancer-predisposing syndrome. Last evaluated: 2023-01-05. Review status: criteria provided, single submitter. Criteria: Ambry Variant Classification Scheme 2023. Collection method: clinical testing. Allele origin: germline.
Comment: The c.2877_2898del22 variant, located in coding exon 15 of the APC gene, results from a deletion of 22 nucleotides at nucleotide positions 2877 to 2898, causing a translational frameshift with a predicted alternate stop codon (p.N961Vfs*12). This alteration occurs at the 3' terminus of theAPC gene, is not expected to trigger nonsense-mediated mRNA decay, and only impacts the last 1884 amino acids of the protein. However, premature stop codons are typically deleterious in nature, a significant portion of the protein is affected, and the impacted region is critical for protein function (Ambry internal data). This variant is considered to be rare based on population cohorts in the Genome Aggregation Database (gnomAD). Based on the majority of available evidence to date, this variant is likely to be pathogenic.

Literature cited by the submitters: PubMed 23159591 (cited by Labcorp Genetics (formerly Invitae), Labcorp); PubMed 15311282 (cited by Labcorp Genetics (formerly Invitae), Labcorp); PubMed 17293347 (cited by Labcorp Genetics (formerly Invitae), Labcorp); PubMed 9824584 (cited by Labcorp Genetics (formerly Invitae), Labcorp); PubMed 1316610 (cited by Labcorp Genetics (formerly Invitae), Labcorp); PubMed 27081525 (cited by Labcorp Genetics (formerly Invitae), Labcorp); PubMed 8381579 (cited by Labcorp Genetics (formerly Invitae), Labcorp); PubMed 22135120 (cited by Labcorp Genetics (formerly Invitae), Labcorp).